The following is an entry in ClinVar:

ClinVar aggregate classification (germline): Benign/Likely benign. Review status: criteria provided, multiple submitters, no conflicts (2 of 4 stars). 4 submissions from 4 submitters: Benign (3); Likely benign (1). Last evaluated 2026-02-03.

Conditions:
Early-infantile DEE. Also called: Early infantile epileptic encephalopathy with suppression bursts; Early infantile epileptic encephalopathy; Ohtahara syndrome. Identifiers: Orphanet 1934, MedGen C0393706, MONDO:0800491.

Allele frequency attached by ClinVar (database versions not stated): 1000 Genomes Project 0.00080; ESP Exome Variant Server 0.00161; gnomAD 0.00171 and 0.00187; TOPMed 0.00193; gnomAD exomes 0.00016 and 0.00040; ExAC 0.00052; 1000 Genomes Project 30x 0.00062.
gnomAD v4.1: 501 of 1,614,132 alleles (0.031%); highest among the groups gnomAD compares: African/African-American, 0.58%; 4 homozygotes.

Submissions (4):

Labcorp Genetics (formerly Invitae), Labcorp
Classification: Benign for Early-infantile DEE. Last evaluated: 2026-02-03. Review status: criteria provided, single submitter. Criteria: Invitae Variant Classification Sherloc (09022015). Collection method: clinical testing. Allele origin: germline.

Blueprint Genetics
Classification: Likely benign. Last evaluated: 2024-10-07. Review status: criteria provided, single submitter. Criteria: ACMG Guidelines, 2015. Collection method: clinical testing. Allele origin: germline.

GeneDx
Classification: Benign. Last evaluated: 2013-07-25. Review status: criteria provided, single submitter. Criteria: GeneDx Variant Classification (06012015). Collection method: clinical testing. Allele origin: germline. Affected: yes.
Comment: This variant is considered likely benign or benign based on one or more of the following criteria: it is a conservative change, it occurs at a poorly conserved position in the protein, it is predicted to be benign by multiple in silico algorithms, and/or has population frequency not consistent with disease.

Breakthrough Genomics
Classification: Benign. Review status: criteria provided, single submitter. Criteria: ACMG Guidelines, 2015. Collection method: not provided. Allele origin: germline. Inheritance: Autosomal dominant inheritance. Affected: yes.

NM_001130438.3(SPTAN1):c.5358-16C>T

Gene: SPTAN1 (spectrin alpha, non-erythrocytic 1; plus strand). Cytogenetic location: 9q34.11.
Variant type: single nucleotide variant.
Coding change: c.5358-16C>T on transcript NM_001130438.3 (MANE Select); 16 bases into the intron before coding-DNA position 5358, C replaced by T.
Molecular consequence: intron variant.
Genome position (GRCh38, 1-based): chr9:128,617,624, C>T. VCF-style: chr9-128617624-C-T. GRCh37 (hg19) VCF-style: chr9-131379903-C-T.
Other names: c.5358-16C>T (NM_001363759.2); c.5343-16C>T (NM_003127.4); c.5298-16C>T (NM_001363765.2); c.5283-16C>T (NM_001195532.2).
Identifiers: ClinVar variation 139296 (VCV000139296.12), dbSNP rs143969764, ClinGen allele CA293742.